The following is an entry in ClinVar:

NM_001184.4(ATR):c.4751T>A (p.Met1584Lys)

Gene: ATR (ATR checkpoint kinase; minus strand). Cytogenetic location: 3q23.
Variant type: single nucleotide variant.
Coding change: c.4751T>A on transcript NM_001184.4 (MANE Select); coding-DNA position 4751, T replaced by A.
Protein change: p.Met1584Lys; replaces methionine 1584 with lysine.
Molecular consequence: missense variant.
Genome position (GRCh38, 1-based): chr3:142,512,361, A>T on the plus strand (T>A on the coding strand, the complement: ATR is on the minus strand). VCF-style: chr3-142512361-A-T. GRCh37 (hg19) VCF-style: chr3-142231203-A-T.
Other names: c.4559T>A, p.Met1520Lys (NM_001354579.2); short protein forms M1520K, M1584K.
Identifiers: ClinVar variation 3221181 (VCV003221181.1), dbSNP rs1170027837, ClinGen allele CA354795443.

ClinVar aggregate classification (germline): Uncertain significance (1 of 4 stars; one submission).

Conditions:
Inborn genetic diseases. Identifiers: MedGen C0950123, MeSH D030342.

Submission:

Ambry Genetics
Classification: Uncertain significance for Inborn genetic diseases. Last evaluated: 2023-12-29. Review status: criteria provided, single submitter. Criteria: Ambry Variant Classification Scheme 2023. Collection method: clinical testing. Allele origin: germline.
Comment: The p.M1584K variant (also known as c.4751T>A), located in coding exon 27 of the ATR gene, results from a T to A substitution at nucleotide position 4751. The methionine at codon 1584 is replaced by lysine, an amino acid with similar properties. This amino acid position is conserved. In addition, the in silico prediction for this alteration is inconclusive. Since supporting evidence is limited at this time, the clinical significance of this alteration remains unclear.